The following is an entry in ClinVar:

ClinVar aggregate classification (germline): Likely benign (1 of 4 stars; one submission).

gnomAD v4.1: 2 of 1,614,060 alleles (0.00012%); highest among the groups gnomAD compares: Non-Finnish European, 0.000085%; no homozygotes.

Submission:

CeGaT Center for Human Genetics Tuebingen
Classification: Likely benign. Last evaluated: 2026-05-01. Review status: criteria provided, single submitter. Criteria: CeGaT Center For Human Genetics Tuebingen Variant Classification Criteria Version 2. Collection method: clinical testing. Allele origin: germline. Affected: yes. Observed: 1 variant allele.
Comment: RHOBTB2: BP4, BP7

NM_015178.3(RHOBTB2):c.1674C>G (p.Leu558=)

Gene: RHOBTB2 (Rho related BTB domain containing 2; plus strand). Cytogenetic location: 8p21.3.
Variant type: single nucleotide variant.
Coding change: c.1674C>G on transcript NM_015178.3 (MANE Select); coding-DNA position 1674, C replaced by G.
Protein change: p.Leu558=; no amino-acid change (leucine 558 retained).
Molecular consequence: synonymous variant.
Genome position (GRCh38, 1-based): chr8:23,010,591, C>G. VCF-style: chr8-23010591-C-G. GRCh37 (hg19) VCF-style: chr8-22868104-C-G.
Other names: c.1740C>G, p.Leu580= (NM_001160036.2); c.1695C>G, p.Leu565= (NM_001160037.2); c.1674C>G, p.Leu558= (NM_001374791.1).
Identifiers: ClinVar variation 4873549 (VCV004873549.2).
Genomic context (GRCh38, chr8:23,010,591, plus strand): 5'-TCCCCAGGTGGTGTTTCCCTACACAAGCAAGAGCTGCATGCGGGCCGTGCTGGAATACCT[C>G]TACACCGGCATGTTCACCTCCAGCCCCGACCTGGATGACATGAAGCTCATCATTCTAGCC-3'
Protein context (NP_055993.2, residues 548-568): KSCMRAVLEY[Leu558=]YTGMFTSSPD